The following is an entry in ClinVar:

ClinVar aggregate classification (germline): Likely benign (0 of 4 stars; one submission).

Conditions:
TMPRSS5-related disorder. Also called: TMPRSS5-related condition.

Submission:

PreventionGenetics, part of Exact Sciences
Classification: Likely benign for TMPRSS5-related condition. Last evaluated: 2020-02-17. Review status: no assertion criteria provided. Collection method: clinical testing. Allele origin: germline.
Comment: This variant is classified as likely benign based on ACMG/AMP sequence variant interpretation guidelines (Richards et al. 2015 PMID: 25741868, with internal and published modifications).

NM_030770.4(TMPRSS5):c.3+6del

Gene: TMPRSS5 (transmembrane serine protease 5; minus strand). Cytogenetic location: 11q23.2.
Variant type: Deletion.
Coding change: c.3+6del on transcript NM_030770.4 (MANE Select); 6 bases into the intron after coding-DNA position 3, one base deleted (G; older notation c.3+6delG).
Molecular consequence: intron variant.
Genome position (GRCh38, 1-based): chr11:113,706,216, C deleted on the plus strand (G on the coding strand, the reverse complement: TMPRSS5 is on the minus strand); the first of 2 consecutive C bases (chr11:113,706,216-113,706,217); deleting either gives the same sequence. VCF-style (leftmost placement, unchanged base first): chr11-113706215-AC-A. GRCh37 (hg19) VCF-style: chr11-113576937-AC-A.
Other names: c.-27+6del (NM_001288749.2, NM_001288750.2); c.3+6del (NM_001288752.2); c.-129+6del (NM_001288751.2).
Identifiers: ClinVar variation 3051958 (VCV003051958.2), dbSNP rs1565269878, ClinGen allele CA601782372.